The following is an entry in ClinVar:

ClinVar aggregate classification (germline): Uncertain significance. Review status: criteria provided, multiple submitters, no conflicts (2 of 4 stars). 2 submissions from 2 submitters: Uncertain significance (2). Last evaluated 2025-08-09.

Allele frequency attached by ClinVar (database versions not stated): ExAC 0.00001.

Submissions (2):

Labcorp Genetics (formerly Invitae), Labcorp
Classification: Uncertain significance. Last evaluated: 2025-08-09. Review status: criteria provided, single submitter. Criteria: Invitae Variant Classification Sherloc (09022015). Collection method: clinical testing. Allele origin: germline.
Comment: This sequence change replaces arginine, which is basic and polar, with histidine, which is basic and polar, at codon 310 of the MMP13 protein (p.Arg310His). This variant is present in population databases (rs782535983, gnomAD 0.006%). This variant has not been reported in the literature in individuals affected with MMP13-related conditions. ClinVar contains an entry for this variant (Variation ID: 3152772). Invitae Evidence Modeling of protein sequence and biophysical properties (such as structural, functional, and spatial information, amino acid conservation, physicochemical variation, residue mobility, and thermodynamic stability) indicates that this missense variant is not expected to disrupt MMP13 protein function with a negative predictive value of 80%. In summary, the available evidence is currently insufficient to determine the role of this variant in disease. Therefore, it has been classified as a Variant of Uncertain Significance.

Ambry Genetics
Classification: Uncertain significance. Last evaluated: 2024-02-21. Review status: criteria provided, single submitter. Criteria: Ambry Variant Classification Scheme 2023. Collection method: clinical testing. Allele origin: germline.

NM_002427.4(MMP13):c.929G>A (p.Arg310His)

Gene: MMP13 (matrix metallopeptidase 13; minus strand). Cytogenetic location: 11q22.2.
Variant type: single nucleotide variant.
Coding change: c.929G>A on transcript NM_002427.4 (MANE Select); coding-DNA position 929, G replaced by A.
Protein change: p.Arg310His; replaces arginine 310 with histidine.
Molecular consequence: missense variant.
Genome position (GRCh38, 1-based): chr11:102,949,147, C>T on the plus strand (G>A on the coding strand, the complement: MMP13 is on the minus strand). VCF-style: chr11-102949147-C-T. GRCh37 (hg19) VCF-style: chr11-102819876-C-T.
Other names: short protein forms R310H.
Identifiers: ClinVar variation 3152772 (VCV003152772.3), dbSNP rs782535983, ClinGen allele CA6251833.
Genomic context (GRCh38, chr11:102,949,147, plus strand): 5'-AGTTCTGGCCAAAATGATTTCGTTAAAAACAGCTCCGCATCAACCTGCTGAGGATGCAGG[C>T]GCCAGAAGAATCTAACACAAAAGTAAAATGGAGTTTTCTGTCACATTTTTAAATGCAATA-3'
Protein context (NP_002418.1, residues 300-320): TMIFKDRFFW[Arg310His]LHPQQVDAEL